The following is an entry in ClinVar:

ClinVar aggregate classification (germline): Likely benign. Review status: criteria provided, single submitter (1 of 4 stars). 2 submissions from 2 submitters: Likely benign (1). 1 of the submissions does not count toward it. Last evaluated 2025-02-06.

Conditions:
HUWE1-related disorder. Also called: HUWE1-related condition.

Allele frequency attached by ClinVar (database versions not stated): gnomAD exomes below 0.00001; TOPMed 0.00001.
gnomAD v4.1: 10 of 1,166,115 alleles (0.00086%); highest among the groups gnomAD compares: East Asian, 0.006%; no homozygotes.

Submissions (2):

Labcorp Genetics (formerly Invitae), Labcorp
Classification: Likely benign. Last evaluated: 2025-02-06. Review status: criteria provided, single submitter. Criteria: Invitae Variant Classification Sherloc (09022015). Collection method: clinical testing. Allele origin: germline.

PreventionGenetics, part of Exact Sciences
Classification: Likely benign for HUWE1-related condition. Last evaluated: 2024-02-16. Review status: no assertion criteria provided. Collection method: clinical testing. Allele origin: germline. Not counted in ClinVar's aggregate classification.
Comment: This variant is classified as likely benign based on ACMG/AMP sequence variant interpretation guidelines (Richards et al. 2015 PMID: 25741868, with internal and published modifications).

NM_031407.7(HUWE1):c.1686G>A (p.Val562=)

Gene: HUWE1 (HECT, UBA and WWE domain containing E3 ubiquitin protein ligase 1; minus strand). Cytogenetic location: Xp11.22.
Variant type: single nucleotide variant.
Coding change: c.1686G>A on transcript NM_031407.7 (MANE Select); coding-DNA position 1686, G replaced by A.
Protein change: p.Val562=; no amino-acid change (valine 562 retained).
Molecular consequence: synonymous variant.
Genome position (GRCh38, 1-based): chrX:53,617,433, C>T on the plus strand (G>A on the coding strand, the complement: HUWE1 is on the minus strand). VCF-style: chrX-53617433-C-T. GRCh37 (hg19) VCF-style: chrX-53644394-C-T.
Other names: c.1686G>A (NM_031407.6).
Identifiers: ClinVar variation 1900144 (VCV001900144.7), dbSNP rs2065863245, ClinGen allele CA516437954.